The following is an entry in ClinVar:

NM_177438.3(DICER1):c.5486C>G (p.Thr1829Arg)

Gene: DICER1 (dicer 1, ribonuclease III; minus strand). Cytogenetic location: 14q32.13.
Variant type: single nucleotide variant.
Coding change: c.5486C>G on transcript NM_177438.3 (MANE Select); coding-DNA position 5486, C replaced by G.
Protein change: p.Thr1829Arg; replaces threonine 1829 with arginine.
Molecular consequence: missense variant. On other transcripts: intron variant (1).
Genome position (GRCh38, 1-based): chr14:95,091,244, G>C on the plus strand (C>G on the coding strand, the complement: DICER1 is on the minus strand). VCF-style: chr14-95091244-G-C. GRCh37 (hg19) VCF-style: chr14-95557581-G-C.
Other names: NM_177438.3(DICER1):c.5486C>G; p.Thr1829Arg; c.5486C>G, p.Thr1829Arg (NM_001271282.3, NM_001291628.2, NM_030621.4); c.5365-135C>G (NM_001195573.1); short protein forms T1829R.
Identifiers: ClinVar variation 1513387 (VCV001513387.12), dbSNP rs1555366196, ClinGen allele CA390864547.

ClinVar aggregate classification (germline): Uncertain significance. Review status: reviewed by expert panel (3 of 4 stars). 4 submissions from 4 submitters: Uncertain significance (1). 3 of the submissions do not count toward it. Last evaluated 2025-08-26.

Conditions:
Hereditary cancer-predisposing syndrome. Also called: Neoplastic Syndromes, Hereditary; Hereditary Cancer Syndrome; Tumor predisposition; Hereditary neoplastic syndrome. Identifiers: Orphanet 140162, MedGen C0027672, MeSH D009386, MONDO:0015356.
DICER1-related tumor predisposition. Also called: DICER1 syndrome; DICER1-related pleuropulmonary blastoma cancer predisposition syndrome. Identifiers: Orphanet 284343, MedGen C3839822, MONDO:0100216.

Allele frequency attached by ClinVar (database versions not stated): gnomAD exomes below 0.00001.
gnomAD v4.1: 1 of 1,614,150 alleles (0.000062%); highest among the groups gnomAD compares: Non-Finnish European, 0.000085%; no homozygotes.

Submissions (4):

ClinGen DICER1 and miRNA-Processing Gene Variant Curation Expert Panel, ClinGen
Classification: Uncertain significance for DICER1-related tumor predisposition. Last evaluated: 2025-08-26. Review status: reviewed by expert panel. Criteria: ClinGen DICER1 ACMG Specifications DICER1 V1.4.0. Collection method: curation. Allele origin: germline. Inheritance: Autosomal dominant inheritance.
Comment: The NM_177438.3:c.5486C>G variant in DICER1 is a missense variant predicted to cause substitution of threonine by arginine at amino acid 1829 (p.Thr1829Arg). Although this variant has been observed in individuals undergoing genetic sequencing, to our knowledge, this variant has not been reported in individuals with DICER1-related tumor predisposition (PS4 not met). This variant has an allele frequency of 0.000000619 (1/1614150 alleles) across gnomAD v4.1.0 with no more than one allele in any subpopulation, which is lower than the ClinGen DICER1 VCEP threshold (<0.000005) for PM2_Supporting, and therefore meets this criterion (PM2_Supporting). This variant resides within the RNase IIIb domain (PM1_Supporting; PMID: 31342592). The computational predictor REVEL gives a score of 0.347, which is below the threshold of 0.5, and the splice site predictors MaxEntScan and SpliceAI indicate that the variant has no impact on splicing, evidence that does not predict a damaging effect on DICER1 function (BP4). Due to conflicting evidence, this variant is classified as a variant of unknown significance for DICER1-related tumor predisposition based on the ACMG/AMP criteria applied, as specified by the ClinGen DICER1 VCEP: PM1_supporting, PM2_supporting, BP4. (Bayesian points 1; VCEP specifications version 1.4.0; 08/26/2025)

Ambry Genetics
Classification: Uncertain significance for Hereditary cancer-predisposing syndrome. Last evaluated: 2023-08-03. Review status: criteria provided, single submitter. Criteria: Ambry Variant Classification Scheme 2023. Collection method: clinical testing. Allele origin: germline. Not counted in ClinVar's aggregate classification.
Comment: The p.T1829R variant (also known as c.5486C>G), located in coding exon 24 of the DICER1 gene, results from a C to G substitution at nucleotide position 5486. The threonine at codon 1829 is replaced by arginine, an amino acid with similar properties. This amino acid position is conserved. In addition, this alteration is predicted to be tolerated by in silico analysis. Since supporting evidence is limited at this time, the clinical significance of this alteration remains unclear.

Labcorp Genetics (formerly Invitae), Labcorp
Classification: Uncertain significance for DICER1-related tumor predisposition. Last evaluated: 2022-08-09. Review status: criteria provided, single submitter. Criteria: Invitae Variant Classification Sherloc (09022015). Collection method: clinical testing. Allele origin: germline. Not counted in ClinVar's aggregate classification.
Comment: This variant has not been reported in the literature in individuals affected with DICER1-related conditions. In summary, the available evidence is currently insufficient to determine the role of this variant in disease. Therefore, it has been classified as a Variant of Uncertain Significance. Algorithms developed to predict the effect of missense changes on protein structure and function are either unavailable or do not agree on the potential impact of this missense change (SIFT: "Deleterious"; PolyPhen-2: "Benign"; Align-GVGD: "Class C0"). ClinVar contains an entry for this variant (Variation ID: 1513387). This variant is not present in population databases (gnomAD no frequency). This sequence change replaces threonine, which is neutral and polar, with arginine, which is basic and polar, at codon 1829 of the DICER1 protein (p.Thr1829Arg).

Sema4
Classification: Uncertain significance for Hereditary cancer-predisposing syndrome. Last evaluated: 2021-11-30. Review status: criteria provided, single submitter. Criteria: Sema4 Curation Guidelines. Collection method: curation. Allele origin: germline. Not counted in ClinVar's aggregate classification.
Comment: The DICER1 c.5486C>G (p.T1829R) variant has not been reported in the literature to our knowledge. It was not observed in the large and broad cohorts of the Genome Aggregation Database (PMID: 32461654). This variant has not been reported in ClinVar. Functional studies have not been performed, and in silico predictions of the variant's effect on protein function are inconclusive.The evidence is insufficient to meet ACMG/AMP criteria for classifying the variant as benign or pathogenic. Thus, the clinical significance of this variant is currently uncertain.